The following is an entry in ClinVar:

NM_001365276.2(TNXB):c.6935C>T (p.Thr2312Ile)

Gene: TNXB (tenascin XB; minus strand). Cytogenetic location: 6p21.33.
Variant type: single nucleotide variant.
Coding change: c.6935C>T on transcript NM_001365276.2 (MANE Select); coding-DNA position 6935, C replaced by T.
Protein change: p.Thr2312Ile; replaces threonine 2312 with isoleucine.
Molecular consequence: missense variant.
Genome position (GRCh38, 1-based): chr6:32,062,390, G>A on the plus strand (C>T on the coding strand, the complement: TNXB is on the minus strand). VCF-style: chr6-32062390-G-A. GRCh37 (hg19) VCF-style: chr6-32030167-G-A.
Other names: c.7676C>T, p.Thr2559Ile (NM_001428335.1); c.6935C>T, p.Thr2312Ile (NM_019105.8); short protein forms T2312I, T2559I.
Identifiers: ClinVar variation 4865823 (VCV004865823.1).

ClinVar aggregate classification (germline): Uncertain significance (1 of 4 stars; one submission).

Conditions:
Cardiovascular phenotype. Identifiers: MedGen CN230736.

gnomAD v4.1: 1 of 1,613,340 alleles (0.000062%); highest among the groups gnomAD compares: Non-Finnish European, 0.000085%; no homozygotes.

Submission:

Ambry Genetics
Classification: Uncertain significance for Cardiovascular phenotype. Last evaluated: 2026-04-30. Review status: criteria provided, single submitter. Criteria: Ambry Variant Classification Scheme 2023. Collection method: clinical testing. Allele origin: germline.
Comment: The p.T2312I variant (also known as c.6935C>T), located in coding exon 19 of the TNXB gene, results from a C to T substitution at nucleotide position 6935. The threonine at codon 2312 is replaced by isoleucine, an amino acid with similar properties. This amino acid position is conserved. In addition, this alteration is predicted to be tolerated by in silico analysis. Based on the available evidence, the clinical significance of this variant remains unclear.